The following is an entry in ClinVar:

NM_001130145.3(YAP1):c.11G>A (p.Gly4Glu)

Gene: YAP1 (Yes1 associated transcriptional regulator; plus strand). Cytogenetic location: 11q22.1.
Variant type: single nucleotide variant.
Coding change: c.11G>A on transcript NM_001130145.3 (MANE Select); coding-DNA position 11, G replaced by A.
Protein change: p.Gly4Glu; replaces glycine 4 with glutamic acid.
Molecular consequence: missense variant.
Genome position (GRCh38, 1-based): chr11:102,110,859, G>A. VCF-style: chr11-102110859-G-A. GRCh37 (hg19) VCF-style: chr11-101981590-G-A.
Other names: c.11G>A, p.Gly4Glu (NM_001195044.2, NM_001282097.2, NM_001282098.2 and 4 more transcripts); short protein forms G4E.
Identifiers: ClinVar variation 2642315 (VCV002642315.24), dbSNP rs867829919, ClinGen allele CA228282917.

ClinVar aggregate classification (germline): Uncertain significance (1 of 4 stars; one submission).

Allele frequency attached by ClinVar (database versions not stated): gnomAD 0.00001.
gnomAD v4.1: 3 of 1,413,360 alleles (0.00021%); highest among the groups gnomAD compares: African/African-American, 0.0015%; no homozygotes.

Submission:

CeGaT Center for Human Genetics Tuebingen
Classification: Uncertain significance. Last evaluated: 2022-04-01. Review status: criteria provided, single submitter. Criteria: CeGaT Center For Human Genetics Tuebingen Variant Classification Criteria Version 2. Collection method: clinical testing. Allele origin: germline. Affected: yes. Observed: 1 variant allele.
Comment: YAP1: PP2